The following is an entry in ClinVar:

ClinVar aggregate classification (germline): Pathogenic (1 of 4 stars; one submission).

Conditions:
Ataxia-telangiectasia syndrome (AT). Also called: Ataxia telangiectasia (A-T); ATAXIA-TELANGIECTASIA, COMPLEMENTATION GROUP A; ATAXIA-TELANGIECTASIA, FRESNO VARIANT; Ataxia-telangiectasia; Ataxia-telangiectasia, complementation group E; LOUIS-BAR SYNDROME. Identifiers: Orphanet 100, MedGen C0004135, MONDO:0008840, OMIM 208900.

Submission:

Labcorp Genetics (formerly Invitae), Labcorp
Classification: Pathogenic for Ataxia-telangiectasia syndrome. Last evaluated: 2025-08-18. Review status: criteria provided, single submitter. Criteria: Invitae Variant Classification Sherloc (09022015). Collection method: clinical testing. Allele origin: germline.
Comment: This sequence change creates a premature translational stop signal (p.Glu2423*) in the ATM gene. It is expected to result in an absent or disrupted protein product. Loss-of-function variants in ATM are known to be pathogenic (PMID: 23807571, 25614872). This variant is not present in population databases (gnomAD no frequency). This variant has not been reported in the literature in individuals affected with ATM-related conditions. ClinVar contains an entry for this variant (Variation ID: 1072264). Algorithms developed to predict the effect of sequence changes on RNA splicing suggest that this variant may disrupt the consensus splice site. For these reasons, this variant has been classified as Pathogenic.

Literature cited by the submitters: PubMed 23807571; PubMed 25614872.

NM_000051.4(ATM):c.7267G>T (p.Glu2423Ter)

Genes: ATM (ATM serine/threonine kinase; plus strand), C11orf65 (chromosome 11 open reading frame 65; minus strand). Cytogenetic location: 11q22.3.
Variant type: single nucleotide variant.
Coding change: c.7267G>T on transcript NM_000051.4 (MANE Select); coding-DNA position 7267, G replaced by T.
Protein change: p.Glu2423Ter; replaces glutamic acid 2423 with a stop codon.
Molecular consequence: nonsense. On other transcripts: intron variant (2).
Genome position (GRCh38, 1-based): chr11:108,329,198, G>T. VCF-style: chr11-108329198-G-T. GRCh37 (hg19) VCF-style: chr11-108199925-G-T.
Other names: c.7267G>T, p.Glu2423Ter (NM_001351834.2); c.641-20127C>A (NM_001330368.2); c.*38+6022C>A (NM_001351110.2); short protein forms E2423*.
Identifiers: ClinVar variation 1072264 (VCV001072264.7), dbSNP rs1555122245, ClinGen allele CA382559759.